The following is an entry in ClinVar:

ClinVar aggregate classification (germline): Uncertain significance. Review status: criteria provided, multiple submitters, no conflicts (2 of 4 stars). 3 submissions from 3 submitters: Uncertain significance (3). Last evaluated 2024-06-21.

Conditions:
MITF-related disorder. Also called: MITF-related condition.
Tietz syndrome (TADS). Also called: ALBINISM-DEAFNESS OF TIETZ; TIETZ ALBINISM-DEAFNESS SYNDROME; HYPOPIGMENTATION/DEAFNESS OF TIETZ. Identifiers: Orphanet 42665, MedGen C0391816, MONDO:0007077, OMIM 103500.
Waardenburg syndrome type 2A (WS2A). Also called: WAARDENBURG SYNDROME WITHOUT DYSTOPIA CANTHORUM. Identifiers: Orphanet 3440, MedGen C1860339, MONDO:0008671, OMIM 193510.
Melanoma, cutaneous malignant, susceptibility to, 8. Also called: MELANOMA AND RENAL CELL CARCINOMA, SUSCEPTIBILITY TO; Cutaneous malignant melanoma 8. Identifiers: Orphanet 293822, MedGen C3152204, MONDO:0013759, OMIM 614456.

Allele frequency attached by ClinVar (database versions not stated): TOPMed 0.00001.
gnomAD v4.1: 7 of 1,614,120 alleles (0.00043%); highest among the groups gnomAD compares: Admixed American, 0.0083%; no homozygotes.

Submissions (3):

Labcorp Genetics (formerly Invitae), Labcorp
Classification: Uncertain significance for Melanoma, cutaneous malignant, susceptibility to, 8; Waardenburg syndrome type 2A; Tietz syndrome. Last evaluated: 2024-06-21. Review status: criteria provided, single submitter. Criteria: Invitae Variant Classification Sherloc (09022015). Collection method: clinical testing. Allele origin: germline.
Comment: This sequence change replaces lysine, which is basic and polar, with asparagine, which is neutral and polar, at codon 43 of the MITF protein (p.Lys43Asn). This variant is present in population databases (rs777666331, gnomAD 0.01%). This variant has not been reported in the literature in individuals affected with MITF-related conditions. ClinVar contains an entry for this variant (Variation ID: 1986398). Advanced modeling of protein sequence and biophysical properties (such as structural, functional, and spatial information, amino acid conservation, physicochemical variation, residue mobility, and thermodynamic stability) performed at Invitae indicates that this missense variant is not expected to disrupt MITF protein function with a negative predictive value of 80%. In summary, the available evidence is currently insufficient to determine the role of this variant in disease. Therefore, it has been classified as a Variant of Uncertain Significance.

GeneDx
Classification: Uncertain significance. Last evaluated: 2023-11-30. Review status: criteria provided, single submitter. Criteria: GeneDx Variant Classification Process June 2021. Collection method: clinical testing. Allele origin: germline. Affected: yes.
Comment: In silico analysis supports that this missense variant has a deleterious effect on protein structure/function; Has not been previously published as pathogenic or benign to our knowledge

PreventionGenetics, part of Exact Sciences
Classification: Uncertain significance for MITF-related condition. Last evaluated: 2022-08-22. Review status: criteria provided, single submitter. Criteria: ACMG Guidelines, 2015. Collection method: clinical testing. Allele origin: germline.
Comment: The MITF c.129A>T variant is predicted to result in the amino acid substitution p.Lys43Asn. To our knowledge, this variant has not been reported in the literature. This variant is reported in 0.014% of alleles in individuals of Latino descent in gnomAD. At this time, the clinical significance of this variant is uncertain due to the absence of conclusive functional and genetic evidence.

NM_001354604.2(MITF):c.450A>T (p.Lys150Asn)

Gene: MITF (melanocyte inducing transcription factor; plus strand). Cytogenetic location: 3p13.
Variant type: single nucleotide variant.
Coding change: c.450A>T on transcript NM_001354604.2 (MANE Select); coding-DNA position 450, A replaced by T.
Protein change: p.Lys150Asn; replaces lysine 150 with asparagine.
Molecular consequence: missense variant. On other transcripts: intron variant (1).
Genome position (GRCh38, 1-based): chr3:69,937,917, A>T. VCF-style: chr3-69937917-A-T. GRCh37 (hg19) VCF-style: chr3-69987068-A-T.
Other names: c.129A>T, p.Lys43Asn (NM_000248.4, NM_001184968.2, NM_198158.3); c.294A>T, p.Lys98Asn (NM_001184967.2, NM_001354608.2); c.447A>T, p.Lys149Asn (NM_001354605.2, NM_001354606.2, NM_006722.3); c.399A>T, p.Lys133Asn (NM_001354607.2); c.450A>T, p.Lys150Asn (NM_198159.3); c.402A>T, p.Lys134Asn (NM_198177.3); c.93+36A>T (NM_198178.3); short protein forms K134N, K98N, K149N, K43N, K133N, K150N.
Identifiers: ClinVar variation 1986398 (VCV001986398.6), dbSNP rs777666331, ClinGen allele CA2490359.